The following is an entry in ClinVar:

NM_004304.5(ALK):c.2229C>T (p.Gly743=)

Gene: ALK (ALK receptor tyrosine kinase; minus strand). Cytogenetic location: 2p23.2.
Variant type: single nucleotide variant.
Coding change: c.2229C>T on transcript NM_004304.5 (MANE Select); coding-DNA position 2229, C replaced by T.
Protein change: p.Gly743=; no amino-acid change (glycine 743 retained).
Molecular consequence: synonymous variant.
Genome position (GRCh38, 1-based): chr2:29,239,806, G>A on the plus strand (C>T on the coding strand, the complement: ALK is on the minus strand). VCF-style: chr2-29239806-G-A. GRCh37 (hg19) VCF-style: chr2-29462672-G-A.
Other names: p.Gly743=.
Identifiers: ClinVar variation 404313 (VCV000404313.37), dbSNP rs111253753, ClinGen allele CA1594384.

ClinVar aggregate classification (germline): Likely benign. Review status: criteria provided, multiple submitters, no conflicts (2 of 4 stars). 4 submissions from 4 submitters: Likely benign (4). Last evaluated 2026-01-13.

Conditions:
Hereditary cancer-predisposing syndrome. Also called: Neoplastic Syndromes, Hereditary; Hereditary neoplastic syndrome; Tumor predisposition; Hereditary Cancer Syndrome. Identifiers: Orphanet 140162, MedGen C0027672, MeSH D009386, MONDO:0015356.
Neuroblastoma, susceptibility to, 3. Also called: ALK-Related Neuroblastic Tumor Susceptibility. Identifiers: Orphanet 635, MedGen C2751681, MONDO:0013083, OMIM 613014.

Allele frequency attached by ClinVar (database versions not stated): gnomAD exomes 0.00001 and 0.00003; ExAC 0.00002; gnomAD 0.00014 and 0.00015; ESP Exome Variant Server 0.00015; 1000 Genomes Project 30x 0.00016; TOPMed 0.00018.
gnomAD v4.1: 43 of 1,613,686 alleles (0.0027%); highest among the groups gnomAD compares: African/African-American, 0.04%; no homozygotes.

Submissions (4):

Labcorp Genetics (formerly Invitae), Labcorp
Classification: Likely benign for Neuroblastoma, susceptibility to, 3. Last evaluated: 2026-01-13. Review status: criteria provided, single submitter. Criteria: Invitae Variant Classification Sherloc (09022015). Collection method: clinical testing. Allele origin: germline.

Mayo Clinic Laboratories, Mayo Clinic
Classification: Likely benign. Last evaluated: 2025-08-22. Review status: criteria provided, single submitter. Criteria: ACMG Guidelines, 2015. Collection method: clinical testing. Allele origin: germline. Observed: 1 variant allele.
Comment: BP4, BP7

CeGaT Center for Human Genetics Tuebingen
Classification: Likely benign. Last evaluated: 2023-07-01. Review status: criteria provided, single submitter. Criteria: CeGaT Center For Human Genetics Tuebingen Variant Classification Criteria Version 2. Collection method: clinical testing. Allele origin: germline. Affected: yes. Observed: 1 variant allele.
Comment: ALK: BP4, BP7

Ambry Genetics
Classification: Likely benign for Hereditary cancer-predisposing syndrome. Last evaluated: 2022-02-22. Review status: criteria provided, single submitter. Criteria: Ambry Variant Classification Scheme 2023. Collection method: clinical testing. Allele origin: germline.